The following is an entry in ClinVar:

NM_000094.4(COL7A1):c.5922del (p.Glu1975fs)

Gene: COL7A1 (collagen type VII alpha 1 chain; minus strand). Cytogenetic location: 3p21.31.
Variant type: Deletion.
Coding change: c.5922del on transcript NM_000094.4 (MANE Select); coding-DNA position 5922, one base deleted (C; older notation c.5922delC).
Protein change: p.Glu1975fs; shifts the reading frame from glutamic acid 1975.
Molecular consequence: frameshift variant.
Genome position (GRCh38, 1-based): chr3:48,575,683, G deleted on the plus strand (C on the coding strand, the reverse complement: COL7A1 is on the minus strand); the first of 3 consecutive G bases (chr3:48,575,683-48,575,685); deleting any one gives the same sequence. VCF-style (leftmost placement, unchanged base first): chr3-48575682-CG-C. GRCh37 (hg19) VCF-style: chr3-48613115-CG-C.
Other names: short protein forms E1975fs.
Identifiers: ClinVar variation 5016239 (VCV005016239.1).

ClinVar aggregate classification (germline): Pathogenic (1 of 4 stars; one submission).

Conditions:
Recessive dystrophic epidermolysis bullosa (RDEB). Also called: DYSTROPHIC EPIDERMOLYSIS BULLOSA, AUTOSOMAL RECESSIVE; EPIDERMOLYSIS BULLOSA DYSTROPHICA, HALLOPEAU-SIEMENS TYPE; Hallopeau-Siemens Disease; severe generalized recessive dystrophic epidermolysis bullosa; EPIDERMOLYSIS BULLOSA DYSTROPHICA, GENERALIZED SEVERE, AUTOSOMAL RECESSIVE; Epidermolysis Bullosa Distrophica Autosomal Recessive (RDEB). Identifiers: Orphanet 79408, Orphanet 79409, MedGen C0079474, MONDO:0009179, OMIM 226600.

Submission:

Myriad Genetics, Inc.
Classification: Pathogenic for Recessive dystrophic epidermolysis bullosa. Last evaluated: 2026-08-15. Review status: criteria provided, single submitter. Criteria: Myriad Autosomal Dominant, Autosomal Recessive and X-Linked Classification Criteria (2023). Collection method: clinical testing. Allele origin: unknown.
Comment: NM_000094.3(COL7A1):c.5922delC(E1975Nfs*30) is expected to be pathogenic in the context of dystrophic epidermolysis bullosa. This variant is predicted to lead to an abnormal or absent protein product due to the creation of a premature termination codon in COL7A1, a gene where loss-of-function variants are known to be pathogenic. Please note: this variant was assessed in the context of healthy population screening.